The following is an entry in ClinVar:

NM_004963.4(GUCY2C):c.113G>A (p.Ser38Asn)

Genes: GUCY2C (guanylate cyclase 2C; minus strand), GUCY2C-AS1 (GUCY2C antisense RNA 1; plus strand). Cytogenetic location: 12p12.3.
Variant type: single nucleotide variant.
Coding change: c.113G>A on transcript NM_004963.4 (MANE Select); coding-DNA position 113, G replaced by A.
Protein change: p.Ser38Asn; replaces serine 38 with asparagine.
Molecular consequence: missense variant.
Genome position (GRCh38, 1-based): chr12:14,696,336, C>T on the plus strand (G>A on the coding strand, the complement: GUCY2C is on the minus strand). VCF-style: chr12-14696336-C-T. GRCh37 (hg19) VCF-style: chr12-14849270-C-T.
Other names: short protein forms S38N.
Identifiers: ClinVar variation 1363682 (VCV001363682.8), dbSNP rs1051406865, ClinGen allele CA233245576.

ClinVar aggregate classification (germline): Uncertain significance (1 of 4 stars; one submission).

Allele frequency attached by ClinVar (database versions not stated): gnomAD exomes below 0.00001; gnomAD 0.00001; TOPMed 0.00002.
gnomAD v4.1: 2 of 1,614,022 alleles (0.00012%); highest among the groups gnomAD compares: African/African-American, 0.0027%; no homozygotes.

Submission:

Labcorp Genetics (formerly Invitae), Labcorp
Classification: Uncertain significance. Last evaluated: 2021-04-29. Review status: criteria provided, single submitter. Criteria: Invitae Variant Classification Sherloc (09022015). Collection method: clinical testing. Allele origin: germline.
Comment: In summary, the available evidence is currently insufficient to determine the role of this variant in disease. Therefore, it has been classified as a Variant of Uncertain Significance. Algorithms developed to predict the effect of missense changes on protein structure and function (SIFT, PolyPhen-2, Align-GVGD) all suggest that this variant is likely to be tolerated, but these predictions have not been confirmed by published functional studies and their clinical significance is uncertain. This variant has not been reported in the literature in individuals with GUCY2C-related conditions. This variant is not present in population databases (ExAC no frequency). This sequence change replaces serine with asparagine at codon 38 of the GUCY2C protein (p.Ser38Asn). The serine residue is moderately conserved and there is a small physicochemical difference between serine and asparagine.